The following is an entry in ClinVar:

ClinVar aggregate classification (germline): Likely benign (1 of 4 stars; one submission).

Conditions:
Parietal foramina 2 (PFM2). Identifiers: Orphanet 60015, MedGen C1865044, MONDO:0012309, OMIM 609597.

Allele frequency attached by ClinVar (database versions not stated): gnomAD 0.00011 and 0.00058; TOPMed 0.00023; gnomAD exomes 0.00047; 1000 Genomes Project 0.00359; 1000 Genomes Project 30x 0.00406.
gnomAD v4.1: 91 of 161,196 alleles (0.056%); highest among the groups gnomAD compares: South Asian, 1.4%; 1 homozygote.

Submission:

Illumina Laboratory Services, Illumina
Classification: Likely benign for Parietal foramina 2. Last evaluated: 2017-04-27. Review status: criteria provided, single submitter. Criteria: ICSL Variant Classification Criteria 13 December 2019. Collection method: clinical testing. Allele origin: germline.
Comment: This variant was observed as part of a predisposition screen in an ostensibly healthy population. A literature search was performed for the gene, cDNA change, and amino acid change (where applicable). No publications were found based on this search. Allele frequency data from public databases allowed determination this variant is unlikely to cause disease. Therefore, this variant is classified as likely benign.

NM_021926.4(ALX4):c.*563C>T

Gene: ALX4 (ALX homeobox 4; minus strand). Cytogenetic location: 11p11.2.
Variant type: single nucleotide variant.
Coding change: c.*563C>T on transcript NM_021926.4 (MANE Select); 563 bases downstream of the stop codon, C replaced by T.
Molecular consequence: 3 prime UTR variant.
Genome position (GRCh38, 1-based): chr11:44,264,291, G>A on the plus strand (C>T on the coding strand, the complement: ALX4 is on the minus strand). VCF-style: chr11-44264291-G-A. GRCh37 (hg19) VCF-style: chr11-44285841-G-A.
Other names: c.*563C>T (LRG_1256t1).
Identifiers: ClinVar variation 304685 (VCV000304685.5), dbSNP rs574340639, ClinGen allele CA10630894.